The following is an entry in ClinVar:

NM_001042492.3(NF1):c.2288T>G (p.Leu763Arg)

Gene: NF1 (neurofibromin 1; plus strand). Cytogenetic location: 17q11.2.
Variant type: single nucleotide variant.
Coding change: c.2288T>G on transcript NM_001042492.3 (MANE Select); coding-DNA position 2288, T replaced by G.
Protein change: p.Leu763Arg; replaces leucine 763 with arginine.
Molecular consequence: missense variant.
Genome position (GRCh38, 1-based): chr17:31,227,254, T>G. VCF-style: chr17-31227254-T-G. GRCh37 (hg19) VCF-style: chr17-29554272-T-G.
Other names: c.2288T>G, p.Leu763Arg (NM_000267.4); short protein forms L763R.
Identifiers: ClinVar variation 216396 (VCV000216396.12), dbSNP rs199474762, ClinGen allele CA336482.
Genomic context (GRCh38, chr17:31,227,254, plus strand): 5'-TGATTTGCTGTTGTATTTGCTTAGGAAGAGCAGCACTTCAGAAAAGAGTGATGGCACTGC[T>G]GAGGCGCATTGAGCATCCCACTGCAGGAAACACTGAGGTATGCCCTTAGCAACAGAAACA-3'
Protein context (NP_001035957.1, residues 753-773): AALQKRVMAL[Leu763Arg]RRIEHPTAGN

ClinVar aggregate classification (germline): Pathogenic/Likely pathogenic. Review status: criteria provided, multiple submitters, no conflicts (2 of 4 stars). 6 submissions from 6 submitters: Pathogenic (2); Likely pathogenic (4). Last evaluated 2026-04-24.

Conditions:
Hereditary cancer-predisposing syndrome. Also called: Tumor predisposition; Neoplastic Syndromes, Hereditary; Hereditary Cancer Syndrome; Hereditary neoplastic syndrome. Identifiers: Orphanet 140162, MedGen C0027672, MeSH D009386, MONDO:0015356.
Neurofibromatosis, type 1 (NF1). Also called: Peripheral type neurofibromatosis; NEUROFIBROMATOSIS, TYPE I, SOMATIC; Neurofibromatosis, type I; VON RECKLINGHAUSEN DISEASE. Identifiers: Orphanet 636, MedGen C0027831, MONDO:0018975, OMIM 162200. Disease mechanism: loss of function.

Submissions (6):

Women's Health and Genetics/Laboratory Corporation of America, LabCorp
Classification: Pathogenic for Neurofibromatosis, type 1. Last evaluated: 2026-04-24. Review status: criteria provided, single submitter. Criteria: LabCorp Variant Classification Summary - May 2015. Collection method: clinical testing. Allele origin: germline.
Comment: Variant summary: NF1 c.2288T>G (p.Leu763Arg) results in a non-conservative amino acid change in the encoded protein sequence. Algorithms developed to predict the effect of missense changes on protein structure and function are either unavailable or do not agree on the potential impact of this missense change. The variant was absent in 250756 control chromosomes. c.2288T>G has been observed in individuals affected with Neurofibromatosis Type 1, including at least one de novo case (Luijten_2001, Safonov_2025, internal data). These data indicate that the variant is likely associated with disease. To our knowledge, no experimental evidence demonstrating an impact on protein function has been reported. However, a different variant affecting the same codon has been classified as pathogenic (c.2288T>C, p.Leu763Pro), supporting the critical relevance of codon 763 to NF1 protein function. The following publications have been ascertained in the context of this evaluation (PMID: 11476066, 40169570). ClinVar contains an entry for this variant (Variation ID: 216396). Based on the evidence outlined above, the variant was classified as pathogenic.

Labcorp Genetics (formerly Invitae), Labcorp
Classification: Pathogenic for Neurofibromatosis, type 1. Last evaluated: 2025-09-20. Review status: criteria provided, single submitter. Criteria: Invitae Variant Classification Sherloc (09022015). Collection method: clinical testing. Allele origin: germline.
Comment: This sequence change replaces leucine, which is neutral and non-polar, with arginine, which is basic and polar, at codon 763 of the NF1 protein (p.Leu763Arg). This variant is not present in population databases (gnomAD no frequency). This missense change has been observed in individual(s) with clinical features of neurofibromatosis type 1 (internal data). In at least one individual the variant was observed to be de novo. ClinVar contains an entry for this variant (Variation ID: 216396). Invitae Evidence Modeling of protein sequence and biophysical properties (such as structural, functional, and spatial information, amino acid conservation, physicochemical variation, residue mobility, and thermodynamic stability) indicates that this missense variant is expected to disrupt NF1 protein function with a positive predictive value of 95%. This variant disrupts the p.Leu763 amino acid residue in NF1. Other variant(s) that disrupt this residue have been determined to be pathogenic (PMID: 10712197, 16005615, 21354044, 21520333). This suggests that this residue is clinically significant, and that variants that disrupt this residue are likely to be disease-causing. For these reasons, this variant has been classified as Pathogenic.

NHS Central & South Genomic Laboratory Hub
Classification: Likely pathogenic for Neurofibromatosis type 1. Last evaluated: 2025-07-01. Review status: criteria provided, single submitter. Criteria: ACMG Guidelines, 2015. Collection method: clinical testing. Allele origin: germline. Affected: yes.

Genome-Nilou Lab
Classification: Likely pathogenic for Neurofibromatosis, type 1. Last evaluated: 2022-03-15. Review status: criteria provided, single submitter. Criteria: ACMG Guidelines, 2015. Collection method: clinical testing. Allele origin: germline. Affected: no.

Center for Human Genetics, Inc
Classification: Likely pathogenic for Neurofibromatosis, type 1. Last evaluated: 2016-11-01. Review status: criteria provided, single submitter. Criteria: ACMG Guidelines, 2015. Collection method: clinical testing. Allele origin: germline. Affected: yes.

Ambry Genetics
Classification: Likely pathogenic for Hereditary cancer-predisposing syndrome. Last evaluated: 2015-03-27. Review status: criteria provided, single submitter. Criteria: Ambry Autosomal Dominant and X-Linked criteria (10/2015). Collection method: clinical testing. Allele origin: germline. Observed: 1 variant allele.
Comment: The p.L763R variant (also known as c.2288T>G), located in coding exon 19 of the NF1 gene, results from a T to G substitution at nucleotide position 2288. The leucine at codon 763 is replaced by arginine, an amino acid with dissimilar properties. This alteration has been reported as a disease-causing mutation, presumably being detected in a patient with neurofibromatosis type 1 (NF1)(Luijten M et al. J Med Genet. 2001 Jul;38(7):481-5). Adisease-causing mutation, p.L763P, hasbeen described in the same codon (Fahsold R et al. Am J Hum Genet. 2000 Mar;66(3):790-818).This variant was not reported in population based cohorts in the following databases: Database of Single Nucleotide Polymorphisms (dbSNP), NHLBI Exome Sequencing Project (ESP), and 1000 Genomes Project. In the ESP, this variant was not observed in 6503 samples (13006 alleles) with coverage at this position. To date, this alteration has been detected with an allele frequency of approximately 0.003% (greater than 30000alleles tested) in our clinical cohort. This amino acid position is highly conserved in available vertebrate species. In addition, this alteration is predicted to be deleterious by in silico analysis.Based on the majority of available evidence to date, this variant is likely to be pathogenic.

Literature cited by the submitters: PubMed 11476066 (cited by Women's Health and Genetics/Laboratory Corporation of America, LabCorp and Ambry Genetics); PubMed 40169570 (cited by Women's Health and Genetics/Laboratory Corporation of America, LabCorp); PubMed 10712197 (cited by Labcorp Genetics (formerly Invitae), Labcorp); PubMed 16005615 (cited by Labcorp Genetics (formerly Invitae), Labcorp); PubMed 21354044 (cited by Labcorp Genetics (formerly Invitae), Labcorp); PubMed 21520333 (cited by Labcorp Genetics (formerly Invitae), Labcorp).